The following is an entry in ClinVar:

NM_017671.5(FERMT1):c.114T>C (p.His38=)

Gene: FERMT1 (FERM domain containing kindlin 1; minus strand). Cytogenetic location: 20p12.3.
Variant type: single nucleotide variant.
Coding change: c.114T>C on transcript NM_017671.5 (MANE Select); coding-DNA position 114, T replaced by C.
Protein change: p.His38=; no amino-acid change (histidine 38 retained).
Molecular consequence: synonymous variant.
Genome position (GRCh38, 1-based): chr20:6,119,441, A>G on the plus strand (T>C on the coding strand, the complement: FERMT1 is on the minus strand). VCF-style: chr20-6119441-A-G. GRCh37 (hg19) VCF-style: chr20-6100088-A-G.
Other names: p.His38=.
Identifiers: ClinVar variation 260864 (VCV000260864.21), dbSNP rs10373, ClinGen allele CA9758544.

ClinVar aggregate classification (germline): Benign. Review status: criteria provided, multiple submitters, no conflicts (2 of 4 stars). 8 submissions from 8 submitters: Benign (8). Last evaluated 2026-02-04.

Conditions:
Kindler syndrome (KNDLRS). Also called: Hereditary acrokeratotic poikiloderma of Weary; Poikiloderma of Kindler; Congenital bullous poikiloderma; Kindler's syndrome; POIKILODERMA, CONGENITAL, WITH BULLAE, WEARY TYPE; POIKILODERMA, HEREDITARY ACROKERATOTIC. Identifiers: Orphanet 2908, Orphanet 306539, MedGen C0406557, MONDO:0008260, OMIM 173650.

Allele frequency attached by ClinVar (database versions not stated): gnomAD 0.51823 and 0.52014; gnomAD exomes 0.51955 and 0.52742; TOPMed 0.52359; ExAC 0.52427; 1000 Genomes Project 0.52456; 1000 Genomes Project 30x 0.52811; ESP Exome Variant Server 0.53237.
gnomAD v4.1: 849,813 of 1,613,046 alleles (53%); highest among the groups gnomAD compares: South Asian, 65%; 226,414 homozygotes.

Submissions (8):

Labcorp Genetics (formerly Invitae), Labcorp
Classification: Benign. Last evaluated: 2026-02-04. Review status: criteria provided, single submitter. Criteria: Invitae Variant Classification Sherloc (09022015). Collection method: clinical testing. Allele origin: germline.

Unidad de Genómica Garrahan, Hospital de Pediatría Garrahan
Classification: Benign. Last evaluated: 2024-01-24. Review status: criteria provided, single submitter. Criteria: ACMG Guidelines, 2015. Collection method: clinical testing. Allele origin: germline. Affected: no. Observed: 67 variant alleles.
Comment: This variant is classified as Benign based on local population frequency. This variant was detected in 76% of patients studied by a panel of primary immunodeficiencies. Number of patients: 67. Only high quality variants are reported.

Mayo Clinic Laboratories, Mayo Clinic
Classification: Benign. Last evaluated: 2022-09-06. Review status: criteria provided, single submitter. Criteria: ACMG Guidelines, 2015. Collection method: clinical testing. Allele origin: germline. Observed: 94 variant alleles.

Genome-Nilou Lab
Classification: Benign for Kindler syndrome. Last evaluated: 2021-08-10. Review status: criteria provided, single submitter. Criteria: ACMG Guidelines, 2015. Collection method: clinical testing. Allele origin: germline. Affected: no.

GeneDx
Classification: Benign. Last evaluated: 2018-11-11. Review status: criteria provided, single submitter. Criteria: GeneDx Variant Classification Process June 2021. Collection method: clinical testing. Allele origin: germline. Affected: yes.

Illumina Laboratory Services, Illumina
Classification: Benign for Kindler syndrome. Last evaluated: 2018-01-12. Review status: criteria provided, single submitter. Criteria: ICSL Variant Classification Criteria 13 December 2019. Collection method: clinical testing. Allele origin: germline.
Comment: This variant was observed in the ICSL laboratory as part of a predisposition screen in an ostensibly healthy population. It had not been previously curated by ICSL or reported in the Human Gene Mutation Database (HGMD: prior to June 1st, 2018), and was therefore a candidate for classification through an automated scoring system. Utilizing variant allele frequency, disease prevalence and penetrance estimates, and inheritance mode, an automated score was calculated to assess if this variant is too frequent to cause the disease. Based on the score and internal cut-off values, a variant classified as benign is not then subjected to further curation. The score for this variant resulted in a classification of benign for this disease.

Breakthrough Genomics
Classification: Benign. Review status: criteria provided, single submitter. Criteria: ACMG Guidelines, 2015. Collection method: not provided. Allele origin: germline. Inheritance: Autosomal recessive inheritance. Affected: yes.

PreventionGenetics, part of Exact Sciences
Classification: Benign. Review status: criteria provided, single submitter. Criteria: ACMG Guidelines, 2015. Collection method: clinical testing. Allele origin: germline.